The following is an entry in ClinVar:

NM_001846.4(COL4A2):c.1508G>C (p.Gly503Ala)

Genes: COL4A2 (collagen type IV alpha 2 chain; plus strand), COL4A2-AS2 (COL4A2 antisense RNA 2; minus strand). Cytogenetic location: 13q34.
Variant type: single nucleotide variant.
Coding change: c.1508G>C on transcript NM_001846.4 (MANE Select); coding-DNA position 1508, G replaced by C.
Protein change: p.Gly503Ala; replaces glycine 503 with alanine.
Molecular consequence: missense variant.
Genome position (GRCh38, 1-based): chr13:110,458,846, G>C. VCF-style: chr13-110458846-G-C. GRCh37 (hg19) VCF-style: chr13-111111193-G-C.
Other names: short protein forms G503A.
Identifiers: ClinVar variation 4746068 (VCV004746068.1).

ClinVar aggregate classification (germline): Uncertain significance (1 of 4 stars; one submission).

Submission:

Labcorp Genetics (formerly Invitae), Labcorp
Classification: Uncertain significance. Last evaluated: 2025-02-10. Review status: criteria provided, single submitter. Criteria: Invitae Variant Classification Sherloc (09022015). Collection method: clinical testing. Allele origin: germline.
Comment: This sequence change replaces glycine, which is neutral and non-polar, with alanine, which is neutral and non-polar, at codon 503 of the COL4A2 protein (p.Gly503Ala). This variant is not present in population databases (gnomAD no frequency). This variant has not been reported in the literature in individuals affected with COL4A2-related conditions. Invitae Evidence Modeling of protein sequence and biophysical properties (such as structural, functional, and spatial information, amino acid conservation, physicochemical variation, residue mobility, and thermodynamic stability) has been performed for this missense variant. However, the output from this modeling did not meet the statistical confidence thresholds required to predict the impact of this variant on COL4A2 protein function. In summary, the available evidence is currently insufficient to determine the role of this variant in disease. Therefore, it has been classified as a Variant of Uncertain Significance.